The following is an entry in ClinVar:

NM_002230.4(JUP):c.192G>T (p.Gly64=)

Gene: JUP (junction plakoglobin; minus strand). Cytogenetic location: 17q21.2.
Variant type: single nucleotide variant.
Coding change: c.192G>T on transcript NM_002230.4 (MANE Select); coding-DNA position 192, G replaced by T.
Protein change: p.Gly64=; no amino-acid change (glycine 64 retained).
Molecular consequence: synonymous variant.
Genome position (GRCh38, 1-based): chr17:41,771,663, C>A on the plus strand (G>T on the coding strand, the complement: JUP is on the minus strand). VCF-style: chr17-41771663-C-A. GRCh37 (hg19) VCF-style: chr17-39927915-C-A.
Other names: c.192G>T, p.Gly64= (NM_001352773.2, NM_001352774.2, NM_001352775.2 and 3 more transcripts); c.192G>T (NM_002230.3).
Identifiers: ClinVar variation 3757952 (VCV003757952.4).

ClinVar aggregate classification (germline): Likely benign. Review status: criteria provided, multiple submitters, no conflicts (2 of 4 stars). 3 submissions from 3 submitters: Likely benign (3). Last evaluated 2026-09-21.

Conditions:
Arrhythmogenic right ventricular dysplasia 12. Also called: ARRHYTHMOGENIC RIGHT VENTRICULAR DYSPLASIA, FAMILIAL, 12. Identifiers: MedGen C1969081, MONDO:0012684, OMIM 611528.
Naxos disease (NXD). Also called: KERATOSIS PALMOPLANTARIS WITH ARRHYTHMOGENIC CARDIOMYOPATHY; MAL DE NAXOS; PALMOPLANTAR KERATODERMA WITH ARRHYTHMOGENIC RIGHT VENTRICULAR CARDIOMYOPATHY AND WOOLLY HAIR; WOOLLY HAIR, PALMOPLANTAR KERATODERMA, AND CARDIAC ABNORMALITIES; CARDIOMYOPATHY, ARRHYTHMOGENIC RIGHT VENTRICULAR, WITH SKIN, HAIR, AND NAIL ABNORMALITIES. Identifiers: Orphanet 34217, MedGen C1832600, MONDO:0011017, OMIM 601214.
Cardiovascular phenotype. Identifiers: MedGen CN230736.

Submissions (3):

Molecular Diagnostic Laboratory for Inherited Cardiovascular Disease, Montreal Heart Institute
Classification: Likely benign. Last evaluated: 2026-09-21. Review status: criteria provided, single submitter. Criteria: ACMG Guidelines, 2015. Collection method: clinical testing. Allele origin: germline. Affected: no.
Comment: BP7

Ambry Genetics
Classification: Likely benign for Cardiovascular phenotype. Last evaluated: 2026-05-24. Review status: criteria provided, single submitter. Criteria: Ambry Variant Classification Scheme 2023. Collection method: clinical testing. Allele origin: germline.

Labcorp Genetics (formerly Invitae), Labcorp
Classification: Likely benign for Arrhythmogenic right ventricular dysplasia 12; Naxos disease. Last evaluated: 2024-09-03. Review status: criteria provided, single submitter. Criteria: Invitae Variant Classification Sherloc (09022015). Collection method: clinical testing. Allele origin: germline.